The following is an entry in ClinVar:

NM_000444.6(PHEX):c.1895T>A (p.Leu632Ter)

Genes: PHEX (phosphate regulating endopeptidase X-linked; plus strand), PTCHD1-AS (PTCHD1 and PHEX antisense RNA; minus strand). Cytogenetic location: Xp22.11.
Variant type: single nucleotide variant.
Coding change: c.1895T>A on transcript NM_000444.6 (MANE Select); coding-DNA position 1895, T replaced by A.
Protein change: p.Leu632Ter; replaces leucine 632 with a stop codon.
Molecular consequence: nonsense.
Genome position (GRCh38, 1-based): chrX:22,221,739, T>A. VCF-style: chrX-22221739-T-A. GRCh37 (hg19) VCF-style: chrX-22239856-T-A.
Other names: c.1895T>A, p.Leu632Ter (NM_001282754.2); short protein forms L632*.
Identifiers: ClinVar variation 2013416 (VCV002013416.5), dbSNP rs2518664701, ClinGen allele CA412573914.
Genomic context (GRCh38, chrX:22,221,739, plus strand): 5'-AGGAAAAAACAAAATGCATGATTAACCAGTATAGCAACTATTATTGGAAGAAAGCTGGCT[T>A]AAATGTGAGTACAACTGTGGCTAAGGGGGGCACCTTGTGGTTCATTTTTCCTCATTTGGA-3'

ClinVar aggregate classification (germline): Pathogenic. Review status: criteria provided, single submitter (1 of 4 stars). 2 submissions from 2 submitters: Pathogenic (1). 1 of the submissions does not count toward it. Last evaluated 2022-07-03.

Conditions:
Childhood hypophosphatasia. Identifiers: Orphanet 247667, Orphanet 436, MedGen C0220743, MONDO:1010168, OMIM 241510, MONDO:0009428.

Submissions (2):

Labcorp Genetics (formerly Invitae), Labcorp
Classification: Pathogenic. Last evaluated: 2022-07-03. Review status: criteria provided, single submitter. Criteria: Invitae Variant Classification Sherloc (09022015). Collection method: clinical testing. Allele origin: germline.
Comment: For these reasons, this variant has been classified as Pathogenic. This variant has not been reported in the literature in individuals affected with PHEX-related conditions. This variant is not present in population databases (gnomAD no frequency). This sequence change creates a premature translational stop signal (p.Leu632*) in the PHEX gene. It is expected to result in an absent or disrupted protein product. Loss-of-function variants in PHEX are known to be pathogenic (PMID: 9097956, 9106524, 19219621).

Department of Pediatric Endocrinology, Shriners Hospitals for Children - Mexico City
No classification provided. Condition: Childhood hypophosphatasia. Review status: no classification provided. Collection method: phenotyping only. Allele origin: germline. Inheritance: X-linked dominant inheritance. Affected: yes. Observed: 1 variant allele. Not counted in ClinVar's aggregate classification.

Literature cited by the submitters: PubMed 9097956 (cited by Labcorp Genetics (formerly Invitae), Labcorp); PubMed 9106524 (cited by Labcorp Genetics (formerly Invitae), Labcorp); PubMed 19219621 (cited by Labcorp Genetics (formerly Invitae), Labcorp).